The following is an entry in ClinVar:

ClinVar aggregate classification (germline): Uncertain significance (1 of 4 stars; one submission).

Submission:

Labcorp Genetics (formerly Invitae), Labcorp
Classification: Uncertain significance. Last evaluated: 2022-11-06. Review status: criteria provided, single submitter. Criteria: Invitae Variant Classification Sherloc (09022015). Collection method: clinical testing. Allele origin: germline.
Comment: Advanced modeling of protein sequence and biophysical properties (such as structural, functional, and spatial information, amino acid conservation, physicochemical variation, residue mobility, and thermodynamic stability) performed at Invitae indicates that this missense variant is expected to disrupt COL10A1 protein function. This missense change has been observed in individual(s) with Schmid type metaphyseal chondrodysplasia (Invitae). This variant is not present in population databases (gnomAD no frequency). This sequence change replaces phenylalanine, which is neutral and non-polar, with serine, which is neutral and polar, at codon 589 of the COL10A1 protein (p.Phe589Ser). This variant disrupts the p.Phe589 amino acid residue in COL10A1. Other variant(s) that disrupt this residue have been determined to be pathogenic (PMID: 31856751). This suggests that this residue is clinically significant, and that variants that disrupt this residue are likely to be disease-causing. In summary, the available evidence is currently insufficient to determine the role of this variant in disease. Therefore, it has been classified as a Variant of Uncertain Significance.

Literature cited by the submitters: PubMed 31856751.

NM_000493.4(COL10A1):c.1766T>C (p.Phe589Ser)

Genes: COL10A1 (collagen type X alpha 1 chain; minus strand), NT5DC1 (5'-nucleotidase domain containing 1; plus strand). Cytogenetic location: 6q22.1.
Variant type: single nucleotide variant.
Coding change: c.1766T>C on transcript NM_000493.4 (MANE Select); coding-DNA position 1766, T replaced by C.
Protein change: p.Phe589Ser; replaces phenylalanine 589 with serine.
Molecular consequence: missense variant. On other transcripts: intron variant (1).
Genome position (GRCh38, 1-based): chr6:116,120,350, A>G on the plus strand (T>C on the coding strand, the complement: COL10A1 is on the minus strand). VCF-style: chr6-116120350-A-G. GRCh37 (hg19) VCF-style: chr6-116441513-A-G.
Other names: c.1766T>C, p.Phe589Ser (NM_001424106.1, NM_001424107.1); c.529+2405A>G (NM_152729.3); short protein forms F589S.
Identifiers: ClinVar variation 2812369 (VCV002812369.3), dbSNP rs2534084707, ClinGen allele CA365386935.
Genomic context (GRCh38, chr6:116,120,350, plus strand): 5'-TGAGTCCCTTTCACATGCACGTGGTATGAAAAATAGTATATTCCTGGTATCTGACAAGTA[A>G]AGATTCCAGTCCTTGGGTCATAATGCTGTTGCCTGTTATACAAAATTTTATCAAATGGTA-3'
Protein context (NP_000484.2, residues 579-599): QQHYDPRTGI[Phe589Ser]TCQIPGIYYF